The following is an entry in ClinVar:

NM_014748.4(SNX17):c.1223A>C (p.Asp408Ala)

Gene: SNX17 (sorting nexin 17; plus strand). Cytogenetic location: 2p23.3.
Variant type: single nucleotide variant.
Coding change: c.1223A>C on transcript NM_014748.4 (MANE Select); coding-DNA position 1223, A replaced by C.
Protein change: p.Asp408Ala; replaces aspartic acid 408 with alanine.
Molecular consequence: missense variant. On other transcripts: non-coding transcript variant (7).
Genome position (GRCh38, 1-based): chr2:27,376,353, A>C. VCF-style: chr2-27376353-A-C. GRCh37 (hg19) VCF-style: chr2-27599220-A-C.
Other names: c.1187A>C, p.Asp396Ala (NM_001267059.2); c.1148A>C, p.Asp383Ala (NM_001267060.2); c.1163A>C, p.Asp388Ala (NM_001267061.2); short protein forms D383A, D388A, D396A, D408A.
Identifiers: ClinVar variation 3044940 (VCV003044940.2), dbSNP rs552437005, ClinGen allele CA1577616.
Genomic context (GRCh38, chr2:27,376,353, plus strand): 5'-CACCTTGTGTCTGTCCCCAGATGCTGCGCCGGCGGGTGGGGGGTACTCTGAGACGCTCAG[A>C]CAGCCAGCAAGCAGTGAAGTCCCCACCACTGCTTGTAAGTATTACCTCCTGGTCAGAACC-3'
Protein context (NP_055563.1, residues 398-418): RRVGGTLRRS[Asp408Ala]SQQAVKSPPL

ClinVar aggregate classification (germline): Likely benign (0 of 4 stars; one submission).

Conditions:
SNX17-related disorder. Also called: SNX17-related condition.

Allele frequency attached by ClinVar (database versions not stated): gnomAD exomes 0.00013; ExAC 0.00029; gnomAD 0.00029; 1000 Genomes Project 30x 0.00031; TOPMed 0.00042; 1000 Genomes Project 0.00060.

Submission:

PreventionGenetics, part of Exact Sciences
Classification: Likely benign for SNX17-related condition. Last evaluated: 2022-04-12. Review status: no assertion criteria provided. Collection method: clinical testing. Allele origin: germline.
Comment: This variant is classified as likely benign based on ACMG/AMP sequence variant interpretation guidelines (Richards et al. 2015 PMID: 25741868, with internal and published modifications).